The following is an entry in ClinVar:

ClinVar aggregate classification (germline): Conflicting classifications of pathogenicity. Review status: criteria provided, conflicting classifications (1 of 4 stars). 6 submissions from 6 submitters: Likely pathogenic (1); Uncertain significance (4); Likely benign (1). Last evaluated 2026-04-22.

Conditions:
Tangier disease (TGD). Also called: HIGH DENSITY LIPOPROTEIN DEFICIENCY, TANGIER TYPE; HIGH DENSITY LIPOPROTEIN DEFICIENCY, TYPE 1; Cholesterol thesaurismosis. Identifiers: Orphanet 31150, MedGen C0039292, MONDO:0008783, OMIM 205400.
Hypoalphalipoproteinemia, primary, 1. Identifiers: Orphanet 425, MedGen C5231558, MONDO:0011393, OMIM 604091.
Cardiovascular phenotype. Identifiers: MedGen CN230736.

Allele frequency attached by ClinVar (database versions not stated): gnomAD 0.00005 and 0.00007; gnomAD exomes 0.00005 and 0.00012; TOPMed 0.00009; ExAC 0.00010.
gnomAD v4.1: 95 of 1,614,060 alleles (0.0059%); highest among the groups gnomAD compares: Admixed American, 0.0033%; no homozygotes.

Submissions (6):

Women's Health and Genetics/Laboratory Corporation of America, LabCorp
Classification: Uncertain significance. Last evaluated: 2026-04-22. Review status: criteria provided, single submitter. Criteria: LabCorp Variant Classification Summary - May 2015. Collection method: clinical testing. Allele origin: germline.
Comment: Variant summary: ABCA1 c.4037G>A (p.Gly1346Glu) results in a non-conservative amino acid change in the encoded protein sequence. Algorithms developed to predict the effect of missense changes on protein structure and function all suggest that this variant is likely to be disruptive. The variant allele was found at a frequency of 0.00012 in 251466 control chromosomes. This frequency is not significantly higher than estimated for disease-causing variants in ABCA1, allowing no conclusion about variant significance. c.4037G>A has been observed in the heterozygous state in individuals affected with hypoalphalipoproteinemia and in one compound heterozygous individual with low HDL cholesterol, although it was unclear if they exhibited other features of Tangier disease (e.g. Geller_2018, Dong_2022). The variant has also been reported in at least one individual who underwent multigene panel testing from a dyslipidemia cohort but no additional genotype or phenotype information was provided (Dron_2020). These reports do not provide unequivocal conclusions about association of the variant with Tangier Disease or other ABCA1-related conditions. At least one publication reports experimental evidence evaluating an impact on protein function. The most pronounced variant effect resulted in approximately 50% cholesterol efflux activity compared to the wildtype protein (Teigen_2025). The following publications have been ascertained in the context of this evaluation (PMID: 35460704, 32041611, 30333156, 40617357). ClinVar contains an entry for this variant (Variation ID: 521460). Based on the evidence outlined above, the variant was classified as uncertain significance.

Labcorp Genetics (formerly Invitae), Labcorp
Classification: Likely benign. Last evaluated: 2025-07-13. Review status: criteria provided, single submitter. Criteria: Invitae Variant Classification Sherloc (09022015). Collection method: clinical testing. Allele origin: germline.

Ambry Genetics
Classification: Likely pathogenic for Cardiovascular phenotype. Last evaluated: 2024-07-17. Review status: criteria provided, single submitter. Criteria: Ambry Variant Classification Scheme 2023. Collection method: clinical testing. Allele origin: germline.
Comment: The p.G1346E variant (also known as c.4037G>A), located in coding exon 27 of the ABCA1 gene, results from a G to A substitution at nucleotide position 4037. The glycine at codon 1346 is replaced by glutamic acid, an amino acid with similar properties. This variant has been reported in a subject with Tangier disease who was also noted to be compound heterozygous with the c.4175+1G>T alteration and has been reported in a cohort of subjects with features of Tangier disease (Peloso GM et al. Eur J Hum Genet, 2016 Jun;24:924-30; Geller AS et al. J Lipid Res, 2018 Dec;59:2421-2435). This variant has been identified in the homozygous state, but clinical details were limited (Ambry internal data). This variant does not appear to be associated with disease in a heterozygous state. This amino acid position is highly conserved in available vertebrate species. In addition, this alteration is predicted to be deleterious by in silico analysis. Based on the majority of available evidence to date, this variant is likely to be pathogenic.

New York Genome Center
Classification: Uncertain significance for Tangier disease; Hypoalphalipoproteinemia, primary, 1. Last evaluated: 2022-11-16. Review status: criteria provided, single submitter. Criteria: NYGC Assertion Criteria 2020. Collection method: clinical testing. Allele origin: germline. Observed: 1 heterozygote.
Comment: The c.4037G>A variant has previously been reported as a variant of uncertain significance in a study performed on a cohort of dyslipidemia patients [PMID:32041611]. However, the disease phenotype and the number of affected individuals with this variant have not been specified in the study [PMID:32041611]. This variant has also been reported as a compound heterozygous or heterozygous state in individuals with HDL deficiency [PMID: 30333156, 35460704]. This variant has been deposited in ClinVar [ClinVar ID: 521460] as Likely Pathogenic, Variant of Uncertain Significance, and Likely Benign. The c.4037G>A variant is observed in 58 alleles (0.0098%minor allele frequency with 0 homozygotes) in population databases (gnomAD v2.1.1 and v3.1.2, TOPMed Freeze 8) suggesting it is not a common benign variant in the populations represented in those databases. The c.4037G>A variant is located in exon 28 of this 50-exon gene and is predicted to replace an evolutionarily conserved glycine amino acid with glutamic acid at position 1346 in the intracellular helices 3 of the encoded protein [PMID: 35460704]. In silico predictions are in favor of damaging effect for p.(Gly1346Glu) the variant [(CADD v1.6 = 27.9, REVEL = 0.833)]; however, there are no functional studies to support or refute these predictions. Based on available evidence this c.4037G>A p.(Gly1346Glu) variant identified in ABCA1 is classified as a Variant of UncertainSignificance.

GeneDx
Classification: Uncertain significance. Last evaluated: 2019-12-12. Review status: criteria provided, single submitter. Criteria: GeneDx Variant Classification Process June 2021. Collection method: clinical testing. Allele origin: germline. Affected: yes.
Comment: Reported as likely pathogenic by another clinical laboratory in ClinVar but additional evidence is not available (ClinVar Variant ID#521460; Landrum et al., 2016); In silico analysis, which includes protein predictors and evolutionary conservation, supports a deleterious effect; This variant is associated with the following publications: (PMID: 30333156, 32041611, 31589614)

Mayo Clinic Laboratories, Mayo Clinic
Classification: Uncertain significance. Last evaluated: 2019-08-17. Review status: criteria provided, single submitter. Criteria: ACMG Guidelines, 2015. Collection method: clinical testing. Allele origin: germline. Observed: 1 variant allele.

Literature cited by the submitters: PubMed 30333156 (cited by Women's Health and Genetics/Laboratory Corporation of America, LabCorp and Ambry Genetics); PubMed 32041611 (cited by Women's Health and Genetics/Laboratory Corporation of America, LabCorp and New York Genome Center); PubMed 35460704 (cited by Women's Health and Genetics/Laboratory Corporation of America, LabCorp); PubMed 40617357 (cited by Women's Health and Genetics/Laboratory Corporation of America, LabCorp); PubMed 26350511 (cited by Ambry Genetics).

NM_005502.4(ABCA1):c.4037G>A (p.Gly1346Glu)

Gene: ABCA1 (ATP binding cassette subfamily A member 1; minus strand). Cytogenetic location: 9q31.1.
Variant type: single nucleotide variant.
Coding change: c.4037G>A on transcript NM_005502.4 (MANE Select); coding-DNA position 4037, G replaced by A.
Protein change: p.Gly1346Glu; replaces glycine 1346 with glutamic acid.
Molecular consequence: missense variant.
Genome position (GRCh38, 1-based): chr9:104,812,587, C>T on the plus strand (G>A on the coding strand, the complement: ABCA1 is on the minus strand). VCF-style: chr9-104812587-C-T. GRCh37 (hg19) VCF-style: chr9-107574868-C-T.
Other names: short protein forms G1346E.
Identifiers: ClinVar variation 521460 (VCV000521460.20), dbSNP rs762770081, ClinGen allele CA5168267.